The following is an entry in ClinVar:

NM_001267550.2(TTN):c.11312-4967A>T

Gene: TTN (titin; minus strand). Cytogenetic location: 2q31.2.
Variant type: single nucleotide variant.
Coding change: c.11312-4967A>T on transcript NM_001267550.2 (MANE Select); 4967 bases into the intron before coding-DNA position 11312, A replaced by T.
Molecular consequence: intron variant. On other transcripts: missense variant (1).
Genome position (GRCh38, 1-based): chr2:178,746,888, T>A on the plus strand (A>T on the coding strand, the complement: TTN is on the minus strand). VCF-style: chr2-178746888-T-A. GRCh37 (hg19) VCF-style: chr2-179611615-T-A.
Other names: c.15512A>T, p.Asn5171Ile (NM_133379.5); c.10223-4967A>T (NM_003319.4); c.10799-4967A>T (NM_133437.4); c.10598-4967A>T (NM_133432.3); c.10360+6236A>T (NM_133378.4); c.10361-4967A>T (NM_001256850.1); short protein forms N5171I.
Identifiers: ClinVar variation 4982415 (VCV004982415.1).

ClinVar aggregate classification (germline): Uncertain significance (1 of 4 stars; one submission).

Conditions:
TTN-related disorder. Also called: TTN-related disorders; TTN-related condition; TTN-related disease.

gnomAD v4.1: 5 of 1,613,532 alleles (0.00031%); highest among the groups gnomAD compares: Admixed American, 0.0067%; no homozygotes.

Submission:

PreventionGenetics, part of Exact Sciences
Classification: Uncertain significance for TTN-related condition. Last evaluated: 2025-09-12. Review status: criteria provided, single submitter. Criteria: ACMG Guidelines, 2015. Collection method: clinical testing. Allele origin: germline.
Comment: The TTN c.11312-4967A>T variant is predicted to interfere with splicing. Of note, this variant is also referred to as c.15512A>T (p.Asn5171Ile), located in exon 46 of the alternative Novex-3 transcript NM_133379 (minor small cardiac isoform). This exon is not included in any other TTN transcripts (principle cardiac or skeletal muscle isoforms). To our knowledge, this variant has not been reported in the literature. This variant is reported in 0.012% of alleles in individuals of Latino descent in gnomAD. At this time, the clinical significance of this variant is uncertain due to the absence of conclusive functional and genetic evidence.